The following is an entry in ClinVar:

ClinVar aggregate classification (germline): Uncertain significance. Review status: criteria provided, multiple submitters, no conflicts (2 of 4 stars). 2 submissions from 2 submitters: Uncertain significance (2). Last evaluated 2025-06-17.

Conditions:
Malignant hyperthermia, susceptibility to, 1 (MHS1). Also called: RYR1-Related Malignant Hyperthermia Susceptibility; Anesthesia related hyperthermia; Malignant hyperpyrexia; Fulminating hyperpyrexia; Pharmacogenic myopathy; Malignant hyperthermia suceptibility 1. Identifiers: Orphanet 423, MedGen C2930980, MONDO:0007783, OMIM 145600.

Allele frequency attached by ClinVar (database versions not stated): gnomAD exomes below 0.00001; gnomAD 0.00001; TOPMed 0.00001.
gnomAD v4.1: 3 of 1,613,284 alleles (0.00019%); highest among the groups gnomAD compares: Non-Finnish European, 0.00025%; no homozygotes.

Submissions (2):

Color Diagnostics, LLC DBA Color Health
Classification: Uncertain significance for Malignant hyperthermia, susceptibility to, 1. Last evaluated: 2025-06-17. Review status: criteria provided, single submitter. Criteria: ACMG Guidelines, 2015. Collection method: clinical testing. Allele origin: germline.
Comment: This missense variant replaces glycine with aspartic acid at codon 2269 of the RYR1 protein. Computational prediction suggests that this variant may have deleterious impact on protein structure and function. To our knowledge, functional studies have not been reported for this variant. This variant has not been reported in individuals affected with RYR1-related disorders in the literature. This variant has been identified in 1/31384 chromosomes in the general population by the Genome Aggregation Database (gnomAD). The available evidence is insufficient to determine the role of this variant in disease conclusively. Therefore, this variant is classified as a Variant of Uncertain Significance.

All of Us Research Program, National Institutes of Health
Classification: Uncertain significance for Malignant hyperthermia, susceptibility to, 1. Last evaluated: 2023-10-02. Review status: criteria provided, single submitter. Criteria: ACMG Guidelines, 2015. Collection method: clinical testing. Allele origin: germline. Inheritance: Autosomal dominant inheritance. Observed: 2 variant alleles, 2 heterozygotes.
Comment: This missense variant replaces glycine with aspartic acid at codon 2269 of the RYR1 protein. Computational prediction suggests that this variant may have deleterious impact on protein structure and function (internally defined REVEL score threshold >= 0.7, PMID: 27666373). To our knowledge, functional studies have not been reported for this variant. This variant has not been reported in individuals affected with RYR1-related disorders in the literature. This variant has been identified in 1/31384 chromosomes in the general population by the Genome Aggregation Database (gnomAD). The available evidence is insufficient to determine the role of this variant in disease conclusively. Therefore, this variant is classified as a Variant of Uncertain Significance.

This study involves interpretation of variants in research participants for the purpose of population health screening. Participant phenotype was not available at the time of variant classification. Additional details can be found in publication PMID: 35346344, PMCID: PMC8962531

NM_000540.3(RYR1):c.6806G>A (p.Gly2269Asp)

Gene: RYR1 (ryanodine receptor 1; plus strand). Cytogenetic location: 19q13.2.
Variant type: single nucleotide variant.
Coding change: c.6806G>A on transcript NM_000540.3 (MANE Select); coding-DNA position 6806, G replaced by A.
Protein change: p.Gly2269Asp; replaces glycine 2269 with aspartic acid.
Molecular consequence: missense variant.
Genome position (GRCh38, 1-based): chr19:38,496,869, G>A. VCF-style: chr19-38496869-G-A. GRCh37 (hg19) VCF-style: chr19-38987509-G-A.
Other names: c.6806G>A, p.Gly2269Asp (NM_001042723.2); short protein forms G2269D.
Identifiers: ClinVar variation 3069857 (VCV003069857.2), dbSNP rs1439136215, ClinGen allele CA405666472.